The following is an entry in ClinVar:

ClinVar aggregate classification (germline): Benign/Likely benign. Review status: criteria provided, multiple submitters, no conflicts (2 of 4 stars). 4 submissions from 4 submitters: Benign (1); Likely benign (3). Last evaluated 2026-01-27.

Conditions:
Gorlin syndrome. Also called: Nevoid Basal Cell Carcinoma Syndrome; Basal cell nevus syndrome. Identifiers: Orphanet 377, MedGen C0004779, MONDO:0007187.

Allele frequency attached by ClinVar (database versions not stated): TOPMed 0.00255; 1000 Genomes Project 30x 0.00297; 1000 Genomes Project 0.00319; ESP Exome Variant Server 0.00384.

Submissions (4):

Labcorp Genetics (formerly Invitae), Labcorp
Classification: Benign for Gorlin syndrome. Last evaluated: 2026-01-27. Review status: criteria provided, single submitter. Criteria: Invitae Variant Classification Sherloc (09022015). Collection method: clinical testing. Allele origin: germline.

CeGaT Center for Human Genetics Tuebingen
Classification: Likely benign. Last evaluated: 2026-01-01. Review status: criteria provided, single submitter. Criteria: CeGaT Center For Human Genetics Tuebingen Variant Classification Criteria Version 2. Collection method: clinical testing. Allele origin: germline. Affected: yes. Observed: 4 variant alleles.
Comment: PTCH2: BP4, BP7

Blueprint Genetics
Classification: Likely benign. Last evaluated: 2024-11-05. Review status: criteria provided, single submitter. Criteria: ACMG Guidelines, 2015. Collection method: clinical testing. Allele origin: germline.

GeneDx
Classification: Likely benign. Last evaluated: 2020-11-24. Review status: criteria provided, single submitter. Criteria: GeneDx Variant Classification Process June 2021. Collection method: clinical testing. Allele origin: germline. Affected: yes.

NM_003738.5(PTCH2):c.1506C>T (p.Val502=)

Gene: PTCH2 (patched 2; minus strand). Cytogenetic location: 1p34.1.
Variant type: single nucleotide variant.
Coding change: c.1506C>T on transcript NM_003738.5 (MANE Select); coding-DNA position 1506, C replaced by T.
Protein change: p.Val502=; no amino-acid change (valine 502 retained).
Molecular consequence: synonymous variant.
Genome position (GRCh38, 1-based): chr1:44,828,590, G>A on the plus strand (C>T on the coding strand, the complement: PTCH2 is on the minus strand). VCF-style: chr1-44828590-G-A. GRCh37 (hg19) VCF-style: chr1-45294262-G-A.
Other names: c.1506C>T, p.Val502= (NM_001166292.2).
Identifiers: ClinVar variation 695984 (VCV000695984.37), dbSNP rs11573582, ClinGen allele CA823282.